The following is an entry in ClinVar:

NM_000426.4(LAMA2):c.3175-19G>C

Gene: LAMA2 (laminin subunit alpha 2; plus strand). Cytogenetic location: 6q22.33.
Variant type: single nucleotide variant.
Coding change: c.3175-19G>C on transcript NM_000426.4 (MANE Select); 19 bases into the intron before coding-DNA position 3175, G replaced by C.
Molecular consequence: intron variant.
Genome position (GRCh38, 1-based): chr6:129,312,842, G>C. VCF-style: chr6-129312842-G-C. GRCh37 (hg19) VCF-style: chr6-129633987-G-C.
Other names: c.3175-19G>C (NM_001079823.2).
Identifiers: ClinVar variation 508234 (VCV000508234.4), dbSNP rs184243762, ClinGen allele CA3993200.

ClinVar aggregate classification (germline): Likely benign. Review status: criteria provided, multiple submitters, no conflicts (2 of 4 stars). 2 submissions from 2 submitters: Likely benign (2). Last evaluated 2023-09-26.

Conditions:
LAMA2-related muscular dystrophy (LAMA2-RD). Also called: Laminin alpha 2-related dystrophy. Identifiers: MedGen C5679788, MONDO:0100228.

Allele frequency attached by ClinVar (database versions not stated): gnomAD exomes below 0.00001; ExAC 0.00001; gnomAD 0.00001; TOPMed 0.00002; 1000 Genomes Project 30x 0.00016; 1000 Genomes Project 0.00020.
gnomAD v4.1: 4 of 1,576,512 alleles (0.00025%); highest among the groups gnomAD compares: African/African-American, 0.004%; no homozygotes.

Submissions (2):

Labcorp Genetics (formerly Invitae), Labcorp
Classification: Likely benign for LAMA2-related muscular dystrophy. Last evaluated: 2023-09-26. Review status: criteria provided, single submitter. Criteria: Invitae Variant Classification Sherloc (09022015). Collection method: clinical testing. Allele origin: germline.

GeneDx
Classification: Likely benign. Last evaluated: 2017-03-23. Review status: criteria provided, single submitter. Criteria: GeneDx Variant Classification (06012015). Collection method: clinical testing. Allele origin: germline. Affected: yes.
Comment: This variant is considered likely benign or benign based on one or more of the following criteria: it is a conservative change, it occurs at a poorly conserved position in the protein, it is predicted to be benign by multiple in silico algorithms, and/or has population frequency not consistent with disease.